The following is an entry in ClinVar:

NM_032043.3(BRIP1):c.690G>A (p.Ser230=)

Gene: BRIP1 (BRCA1 interacting DNA helicase 1; minus strand). Cytogenetic location: 17q23.2.
Variant type: single nucleotide variant.
Coding change: c.690G>A on transcript NM_032043.3 (MANE Select); coding-DNA position 690, G replaced by A.
Protein change: p.Ser230=; no amino-acid change (serine 230 retained).
Molecular consequence: synonymous variant.
Genome position (GRCh38, 1-based): chr17:61,808,695, C>T on the plus strand (G>A on the coding strand, the complement: BRIP1 is on the minus strand). VCF-style: chr17-61808695-C-T. GRCh37 (hg19) VCF-style: chr17-59886056-C-T.
Identifiers: ClinVar variation 414691 (VCV000414691.24), dbSNP rs751460179, ClinGen allele CA8690861.

ClinVar aggregate classification (germline): Benign/Likely benign. Review status: criteria provided, multiple submitters, no conflicts (2 of 4 stars). 7 submissions from 7 submitters: Benign (1); Likely benign (5). 1 of the submissions does not count toward it. Last evaluated 2025-12-19.

Conditions:
BRIP1-related disorder. Also called: BRIP1-related condition; BRIP1-related disorders. Identifiers: MedGen CN239206.
Hereditary cancer-predisposing syndrome. Also called: Neoplastic Syndromes, Hereditary; Tumor predisposition; Hereditary Cancer Syndrome; Hereditary neoplastic syndrome. Identifiers: Orphanet 140162, MedGen C0027672, MeSH D009386, MONDO:0015356.
Familial cancer of breast. Also called: hereditary breast carcinoma; BREAST CANCER, FAMILIAL; Hereditary breast cancer. Identifiers: Orphanet 227535, MedGen C0346153, MONDO:0016419, OMIM 114480. Disease mechanism: loss of function.
Fanconi anemia complementation group J. Also called: BRIP1-Related Fanconi Anemia. Identifiers: Orphanet 84, MedGen C1836860, MONDO:0012187, OMIM 609054.

Allele frequency attached by ClinVar (database versions not stated): gnomAD 0.00001 and below 0.00001; ExAC 0.00002.
gnomAD v4.1: 9 of 1,613,688 alleles (0.00056%); highest among the groups gnomAD compares: South Asian, 0.0033%; no homozygotes.

Submissions (7):

Labcorp Genetics (formerly Invitae), Labcorp
Classification: Likely benign for Familial cancer of breast; Fanconi anemia complementation group J. Last evaluated: 2025-12-19. Review status: criteria provided, single submitter. Criteria: Invitae Variant Classification Sherloc (09022015). Collection method: clinical testing. Allele origin: germline.

Myriad Genetics, Inc.
Classification: Benign for Familial cancer of breast. Last evaluated: 2024-08-22. Review status: criteria provided, single submitter. Criteria: Myriad Autosomal Dominant, Autosomal Recessive and X-Linked Classification Criteria (2023). Collection method: clinical testing. Allele origin: unknown.
Comment: This variant is considered benign. This variant is a silent/synonymous amino acid change and it is not expected to impact splicing.

Blueprint Genetics
Classification: Likely benign. Last evaluated: 2023-06-19. Review status: criteria provided, single submitter. Criteria: ACMG Guidelines, 2015. Collection method: clinical testing. Allele origin: germline.

Department of Pathology and Laboratory Medicine, Sinai Health System
Classification: Likely benign for Familial cancer of breast. Last evaluated: 2023-05-08. Review status: criteria provided, single submitter. Criteria: ACMG Guidelines, 2015. Collection method: clinical testing. Allele origin: germline. Affected: yes.

Color Diagnostics, LLC DBA Color Health
Classification: Likely benign for Hereditary cancer-predisposing syndrome. Last evaluated: 2019-06-18. Review status: criteria provided, single submitter. Criteria: ACMG Guidelines, 2015. Collection method: clinical testing. Allele origin: germline.

Ambry Genetics
Classification: Likely benign for Hereditary cancer-predisposing syndrome. Last evaluated: 2016-11-22. Review status: criteria provided, single submitter. Criteria: Ambry Variant Classification Scheme 2023. Collection method: clinical testing. Allele origin: germline.

PreventionGenetics, part of Exact Sciences
Classification: Likely benign for BRIP1-related condition. Last evaluated: 2019-05-17. Review status: no assertion criteria provided. Collection method: clinical testing. Allele origin: germline. Not counted in ClinVar's aggregate classification.
Comment: This variant is classified as likely benign based on ACMG/AMP sequence variant interpretation guidelines (Richards et al. 2015 PMID: 25741868, with internal and published modifications).